The following is an entry in ClinVar:

NM_003924.4(PHOX2B):c.479C>T (p.Ala160Val)

Gene: PHOX2B (paired like homeobox 2B; minus strand). Cytogenetic location: 4p13.
Variant type: single nucleotide variant.
Coding change: c.479C>T on transcript NM_003924.4 (MANE Select); coding-DNA position 479, C replaced by T.
Protein change: p.Ala160Val; replaces alanine 160 with valine.
Molecular consequence: missense variant.
Genome position (GRCh38, 1-based): chr4:41,746,273, G>A on the plus strand (C>T on the coding strand, the complement: PHOX2B is on the minus strand). VCF-style: chr4-41746273-G-A. GRCh37 (hg19) VCF-style: chr4-41748290-G-A.
Other names: short protein forms A160V.
Identifiers: ClinVar variation 825183 (VCV000825183.5), dbSNP rs1577559372, ClinGen allele CA356738625.

ClinVar aggregate classification (germline): Uncertain significance (1 of 4 stars; one submission).

Conditions:
Hereditary cancer-predisposing syndrome. Also called: Neoplastic Syndromes, Hereditary; Tumor predisposition; Hereditary neoplastic syndrome; Hereditary Cancer Syndrome. Identifiers: Orphanet 140162, MedGen C0027672, MeSH D009386, MONDO:0015356.

Allele frequency attached by ClinVar (database versions not stated): TOPMed below 0.00001.

Submission:

Ambry Genetics
Classification: Uncertain significance for Hereditary cancer-predisposing syndrome. Last evaluated: 2025-05-02. Review status: criteria provided, single submitter. Criteria: Ambry Variant Classification Scheme 2023. Collection method: clinical testing. Allele origin: germline.
Comment: The p.A160V variant (also known as c.479C>T), located in coding exon 3 of the PHOX2B gene, results from a C to T substitution at nucleotide position 479. The alanine at codon 160 is replaced by valine, an amino acid with similar properties. This amino acid position is highly conserved in available vertebrate species. In addition, the in silico prediction for this alteration is inconclusive. Based on the available evidence, the clinical significance of this variant remains unclear.